The following is an entry in ClinVar:

NC_012920.1(MT-CO3):m.9604A>G

Gene: MT-CO3 (mitochondrially encoded cytochrome c oxidase III; plus strand).
Variant type: single nucleotide variant.
Genome position: chrM-9604-A-G.
Identifiers: ClinVar variation 693190 (VCV000693190.1), dbSNP rs1556423697, ClinGen allele CA414803301.

ClinVar aggregate classification (germline): Benign (1 of 4 stars; one submission).

Conditions:
Leigh syndrome (NULS). Also called: Leigh's necrotizing encephalopathy; Leigh's disease; Leigh Syndrome (mtDNA deletion); Leigh Disease; Subacute necrotizing encephalopathy; Necrotizing encephalopathy infantile subacute of Leigh. Identifiers: Orphanet 506, MedGen C2931891, MONDO:0009723, OMIM 256000.

Submission:

Wong Mito Lab, Molecular and Human Genetics, Baylor College of Medicine
Classification: Benign for Leigh syndrome. Last evaluated: 2019-10-17. Review status: criteria provided, single submitter. Criteria: Modified ACMG Guidelines (Unpublished). Collection method: clinical testing. Allele origin: germline.
Comment: The NC_012920.1:m.9604A>G (YP_003024032.1:p.Asn133Ser) variant in MTCO3 gene is interpretated to be a Benign variant based on the modified ACMG guidelines (unpublished). This variant meets the following evidence codes: BS1, BS2